The following is an entry in ClinVar:

ClinVar aggregate classification (germline): Uncertain significance (1 of 4 stars; one submission).

Submission:

Women's Health and Genetics/Laboratory Corporation of America, LabCorp
Classification: Uncertain significance. Last evaluated: 2024-09-16. Review status: criteria provided, single submitter. Criteria: LabCorp Variant Classification Summary - May 2015. Collection method: clinical testing. Allele origin: germline.
Comment: Variant summary: The variant involves the duplication of exons 1-4 in the DOCK8 gene. A presumed nomenclature of c.(?_-113)_(404+1_405-1)dup has been designated for the purposes of this classification. The exact breakpoint at the 5' end of this variant is unknown, therefore this duplication may extend upstream of the annotated region of this gene. It is predicted to duplicate a segment including the initiation codon, therefore its impact on the encoded protein is unknown. A duplication of exons 1-4 that also extends upstream of the gene was found at a frequency of 9.2e-05 in 21688 control chromosomes. The available data on variant occurrences in the general population are insufficient to allow any conclusion about variant significance. To our knowledge, no occurrence of c.(?_-113)_(404+1_405-1)dup in individuals affected with Severe Combined Immunodeficiency and no experimental evidence demonstrating its impact on protein function have been reported. ClinVar contains an entry for this variant (Variation ID: 1016386). Based on the evidence outlined above, the variant was classified as uncertain significance.

NC_000009.11:g.(?_214864)_(289582_304580)dup

Genes: DOCK8 (dedicator of cytokinesis 8; plus strand), DOCK8-AS1 (DOCK8 antisense RNA 1; minus strand). Cytogenetic location: 9p24.3.
Variant type: Duplication.
Identifiers: ClinVar variation 3374768 (VCV003374768.1).